The following is an entry in ClinVar:

ClinVar aggregate classification (germline): Conflicting classifications of pathogenicity. Review status: criteria provided, conflicting classifications (1 of 4 stars). 14 submissions from 14 submitters: Uncertain significance (2); Benign (1); Likely benign (8). 3 of the submissions do not count toward it. Last evaluated 2026-01-12.

Conditions:
Hereditary cancer-predisposing syndrome. Also called: Tumor predisposition; Hereditary neoplastic syndrome; Neoplastic Syndromes, Hereditary; Hereditary Cancer Syndrome. Identifiers: Orphanet 140162, MedGen C0027672, MeSH D009386, MONDO:0015356.
Familial cancer of breast. Also called: BREAST CANCER, FAMILIAL; hereditary breast carcinoma; Hereditary breast cancer. Identifiers: Orphanet 227535, MedGen C0346153, MONDO:0016419, OMIM 114480. Disease mechanism: loss of function.

Allele frequency attached by ClinVar (database versions not stated): gnomAD 0.00001; gnomAD exomes 0.00001 and 0.00002; TOPMed 0.00001; ExAC 0.00005.
gnomAD v4.1: 11 of 1,614,004 alleles (0.00068%); highest among the groups gnomAD compares: East Asian, 0.0022%; no homozygotes.

Submissions (14):

Labcorp Genetics (formerly Invitae), Labcorp
Classification: Likely benign for Familial cancer of breast. Last evaluated: 2026-01-12. Review status: criteria provided, single submitter. Criteria: Invitae Variant Classification Sherloc (09022015). Collection method: clinical testing. Allele origin: germline.

Molecular Pathology, Peter Maccallum Cancer Centre
Classification: Uncertain significance for Familial cancer of breast. Last evaluated: 2025-05-28. Review status: criteria provided, single submitter. Criteria: ACMG Guidelines, 2015. Collection method: clinical testing. Allele origin: germline. Inheritance: Autosomal dominant inheritance.

Myriad Genetics, Inc.
Classification: Likely benign for Familial cancer of breast. Last evaluated: 2024-03-14. Review status: criteria provided, single submitter. Criteria: Myriad Autosomal Dominant, Autosomal Recessive and X-Linked Classification Criteria (2023). Collection method: clinical testing. Allele origin: unknown.
Comment: This variant is considered likely benign. This variant is strongly associated with less severe personal and family histories of cancer, typical for individuals without pathogenic variants in this gene [PMID: 25085752].

Mendelics
Classification: Benign for Hereditary cancer-predisposing syndrome. Last evaluated: 2023-08-22. Review status: criteria provided, single submitter. Criteria: Mendelics Assertion Criteria 2019. Collection method: clinical testing. Allele origin: germline.

Quest Diagnostics Nichols Institute San Juan Capistrano
Classification: Likely benign. Last evaluated: 2023-05-11. Review status: criteria provided, single submitter. Criteria: Quest Diagnostics criteria. Collection method: clinical testing. Allele origin: unknown.

Women's Health and Genetics/Laboratory Corporation of America, LabCorp
Classification: Likely benign. Last evaluated: 2023-04-13. Review status: criteria provided, single submitter. Criteria: LabCorp Variant Classification Summary - May 2015. Collection method: clinical testing. Allele origin: germline.
Comment: Variant summary: PALB2 c.2258G>A (p.Arg753Gln) results in a conservative amino acid change in the encoded protein sequence. Five of five in-silico tools predict a benign effect of the variant on protein function. The variant allele was found at a frequency of 2.1e-05 in 282886 control chromosomes (gnomAD). The available data on variant occurrences in the general population are insufficient to allow any conclusion about variant significance. The variant, c.2258G>A, has been reported in the literature in at least two individuals affected with breast cancer without strong evidence for causality (e.g., Dorling_2021, Guindalini_2022), however, the variant has also been found in several healthy controls (Bodian_2014, Momozawa_2018, Dorling_2021). To our knowledge, no experimental evidence demonstrating an impact on protein function has been reported. Nine other submitters have provided clinical-significance assessments for this variant in ClinVar after 2014 without evidence for independent evaluation, and classified the variant as likely benign (n=5) or VUS (n=4). Based on the evidence outlined above, the variant was classified as likely benign.

Sema4
Classification: Likely benign for Hereditary cancer-predisposing syndrome. Last evaluated: 2021-04-30. Review status: criteria provided, single submitter. Criteria: Sema4 Curation Guidelines. Collection method: curation. Allele origin: germline.

Ambry Genetics
Classification: Likely benign for Hereditary cancer-predisposing syndrome. Last evaluated: 2018-07-16. Review status: criteria provided, single submitter. Criteria: Ambry Variant Classification Scheme 2023. Collection method: clinical testing. Allele origin: germline.

GeneDx
Classification: Likely benign. Last evaluated: 2018-01-17. Review status: criteria provided, single submitter. Criteria: GeneDx Variant Classification (06012015). Collection method: clinical testing. Allele origin: germline. Affected: yes.
Comment: This variant is considered likely benign or benign based on one or more of the following criteria: it is a conservative change, it occurs at a poorly conserved position in the protein, it is predicted to be benign by multiple in silico algorithms, and/or has population frequency not consistent with disease.

Genetic Services Laboratory, University of Chicago
Classification: Uncertain significance. Last evaluated: 2017-03-13. Review status: criteria provided, single submitter. Criteria: ACMG Guidelines, 2015. Collection method: clinical testing. Allele origin: germline. Affected: no.

Color Diagnostics, LLC DBA Color Health
Classification: Likely benign for Hereditary cancer-predisposing syndrome. Last evaluated: 2015-11-02. Review status: criteria provided, single submitter. Criteria: ACMG Guidelines, 2015. Collection method: clinical testing. Allele origin: germline.

Leiden Open Variation Database
Classification: Uncertain significance. Last evaluated: 2018-10-10. Review status: no assertion criteria provided. Collection method: curation. Allele origin: germline. Affected: yes. Not counted in ClinVar's aggregate classification.
Comment: Curators: Marc Tischkowitz, Arleen D. Auerbach. Submitter to LOVD: Yukihide Momozawa.

Counsyl
Classification: Uncertain significance for Familial cancer of breast. Last evaluated: 2018-03-14. Review status: no assertion criteria provided. Collection method: clinical testing. Allele origin: unknown. Not counted in ClinVar's aggregate classification.

ITMI
No classification provided. Condition: AllHighlyPenetrant. Last evaluated: 2013-09-19. Review status: no classification provided. Collection method: reference population. Allele origin: germline. Not counted in ClinVar's aggregate classification.
Comment: Please see associated publication for description of ethnicities

Literature cited by the submitters: PubMed 25085752 (cited by Myriad Genetics, Inc.); PubMed 33471991 (cited by Quest Diagnostics Nichols Institute San Juan Capistrano and Women's Health and Genetics/Laboratory Corporation of America, LabCorp); PubMed 24728327 (cited by 4 submitters); PubMed 35264596 (cited by Quest Diagnostics Nichols Institute San Juan Capistrano and Women's Health and Genetics/Laboratory Corporation of America, LabCorp); PubMed 30287823 (cited by 3 submitters).

NM_024675.4(PALB2):c.2258G>A (p.Arg753Gln)

Gene: PALB2 (partner and localizer of BRCA2; minus strand). Cytogenetic location: 16p12.2.
Variant type: single nucleotide variant.
Coding change: c.2258G>A on transcript NM_024675.4 (MANE Select); coding-DNA position 2258, G replaced by A.
Protein change: p.Arg753Gln; replaces arginine 753 with glutamine.
Molecular consequence: missense variant.
Genome position (GRCh38, 1-based): chr16:23,629,896, C>T on the plus strand (G>A on the coding strand, the complement: PALB2 is on the minus strand). VCF-style: chr16-23629896-C-T. GRCh37 (hg19) VCF-style: chr16-23641217-C-T.
Other names: p.R753Q:CGA>CAA; short protein forms R753Q.
Identifiers: ClinVar variation 134996 (VCV000134996.33), dbSNP rs587778586, ClinGen allele CA161346.